The following is an entry in ClinVar:

ClinVar aggregate classification (germline): Uncertain significance (1 of 4 stars; one submission).

Conditions:
Hypertrophic cardiomyopathy 12. Identifiers: MedGen C2677491, MONDO:0012804, OMIM 612124.
Dilated cardiomyopathy 1M (CMD1M). Identifiers: Orphanet 154, MedGen C1843808, MONDO:0011840, OMIM 607482.

Submission:

Labcorp Genetics (formerly Invitae), Labcorp
Classification: Uncertain significance for Hypertrophic cardiomyopathy 12; Dilated cardiomyopathy 1M. Last evaluated: 2026-02-04. Review status: criteria provided, single submitter. Criteria: Invitae Variant Classification Sherloc (09022015). Collection method: clinical testing. Allele origin: germline.
Comment: This sequence change falls in intron 4 of the CSRP3 gene. It does not directly change the encoded amino acid sequence of the CSRP3 protein. It affects a nucleotide within the consensus splice site. This variant is not present in population databases (gnomAD no frequency). This variant has not been reported in the literature in individuals affected with CSRP3-related conditions. ClinVar contains an entry for this variant (Variation ID: 476573). Variants that disrupt the consensus splice site are a relatively common cause of aberrant splicing (PMID: 17576681, 9536098). Algorithms developed to predict the effect of sequence changes on RNA splicing suggest that this variant may disrupt the consensus splice site. In summary, the available evidence is currently insufficient to determine the role of this variant in disease. Therefore, it has been classified as a Variant of Uncertain Significance.

Literature cited by the submitters: PubMed 17576681; PubMed 9536098.

NM_003476.5(CSRP3):c.282-3C>G

Gene: CSRP3 (cysteine and glycine rich protein 3; minus strand). Cytogenetic location: 11p15.1.
Variant type: single nucleotide variant.
Coding change: c.282-3C>G on transcript NM_003476.5 (MANE Select); 3 bases into the intron before coding-DNA position 282, C replaced by G.
Molecular consequence: intron variant.
Genome position (GRCh38, 1-based): chr11:19,186,351, G>C on the plus strand (C>G on the coding strand, the complement: CSRP3 is on the minus strand). VCF-style: chr11-19186351-G-C. GRCh37 (hg19) VCF-style: chr11-19207898-G-C.
Other names: c.113-3C>G (NM_001369404.1).
Identifiers: ClinVar variation 476573 (VCV000476573.6), dbSNP rs1554967570, ClinGen allele CA658658034.